The following is an entry in ClinVar:

ClinVar aggregate classification (germline): Uncertain significance (1 of 4 stars; one submission).

Submission:

Labcorp Genetics (formerly Invitae), Labcorp
Classification: Uncertain significance. Last evaluated: 2018-07-26. Review status: criteria provided, single submitter. Criteria: Invitae Variant Classification Sherloc (09022015). Collection method: clinical testing. Allele origin: germline.
Comment: This variant is not present in population databases (ExAC no frequency). This variant has not been reported in the literature in individuals with NSD1-related disease. Algorithms developed to predict the effect of missense changes on protein structure and function output the following: SIFT: "Tolerated"; PolyPhen-2: "Benign"; Align-GVGD: "Class C0". The leucine amino acid residue is found in multiple mammalian species, suggesting that this missense change does not adversely affect protein function. These predictions have not been confirmed by published functional studies and their clinical significance is uncertain. In summary, the available evidence is currently insufficient to determine the role of this variant in disease. Therefore, it has been classified as a Variant of Uncertain Significance. This sequence change replaces serine with leucine at codon 744 of the NSD1 protein (p.Ser744Leu). The serine residue is weakly conserved and there is a large physicochemical difference between serine and leucine.

NM_022455.5(NSD1):c.2231C>T (p.Ser744Leu)

Gene: NSD1 (nuclear receptor binding SET domain protein 1; plus strand). Cytogenetic location: 5q35.3.
Variant type: single nucleotide variant.
Coding change: c.2231C>T on transcript NM_022455.5 (MANE Select); coding-DNA position 2231, C replaced by T.
Protein change: p.Ser744Leu; replaces serine 744 with leucine.
Molecular consequence: missense variant.
Genome position (GRCh38, 1-based): chr5:177,210,630, C>T. VCF-style: chr5-177210630-C-T. GRCh37 (hg19) VCF-style: chr5-176637631-C-T.
Other names: c.1478C>T, p.Ser493Leu (NM_001409305.1); c.1358C>T, p.Ser453Leu (NM_001409306.1, NM_001409307.1, NM_001409308.1 and 3 more transcripts); c.2231C>T, p.Ser744Leu (NM_001409301.1, NM_001409302.1, NM_001409303.1); c.1811C>T, p.Ser604Leu (NM_001409304.1); short protein forms S475L, S744L, S493L, S604L, S453L.
Identifiers: ClinVar variation 665821 (VCV000665821.9), dbSNP rs1581319591, ClinGen allele CA362314753.